The following is an entry in ClinVar:

ClinVar aggregate classification (germline): Benign/Likely benign. Review status: criteria provided, multiple submitters, no conflicts (2 of 4 stars). 4 submissions from 4 submitters: Benign (1); Likely benign (3). Last evaluated 2026-02-01.

Conditions:
Familial hypocalciuric hypercalcemia 3. Also called: FAMILIAL BENIGN HYPERCALCEMIA, TYPE III; HYPERCALCEMIA, FAMILIAL BENIGN, OKLAHOMA TYPE; Hypocalciuric hypercalcemia, type III; Hypocalciuric hypercalcemia, familial, type III. Identifiers: Orphanet 101050, Orphanet 405, MedGen C1833372, MONDO:0010926, OMIM 600740.

Submissions (4):

Labcorp Genetics (formerly Invitae), Labcorp
Classification: Benign. Last evaluated: 2026-02-01. Review status: criteria provided, single submitter. Criteria: Invitae Variant Classification Sherloc (09022015). Collection method: clinical testing. Allele origin: germline.

Blueprint Genetics
Classification: Likely benign. Last evaluated: 2024-11-13. Review status: criteria provided, single submitter. Criteria: ACMG Guidelines, 2015. Collection method: clinical testing. Allele origin: germline.

GeneDx
Classification: Likely benign. Last evaluated: 2022-04-13. Review status: criteria provided, single submitter. Criteria: GeneDx Variant Classification Process June 2021. Collection method: clinical testing. Allele origin: germline. Affected: yes.
Comment: See Variant Classification Assertion Criteria.

Fulgent Genetics
Classification: Likely benign for Familial hypocalciuric hypercalcemia 3. Last evaluated: 2021-09-03. Review status: criteria provided, single submitter. Criteria: ACMG Guidelines, 2015. Collection method: clinical testing. Allele origin: unknown.

NM_004069.6(AP2S1):c.4-14_4-12del

Gene: AP2S1 (adaptor related protein complex 2 subunit sigma 1; minus strand). Cytogenetic location: 19q13.32.
Variant type: Microsatellite.
Coding change: c.4-14_4-12del on transcript NM_004069.6 (MANE Select); 14 bases into the intron before coding-DNA position 4 through 12 bases into the intron before coding-DNA position 4, 3 bases deleted (CCT; older notation c.4-14_4-12delCCT).
Molecular consequence: intron variant.
Genome position (GRCh38, 1-based): chr19:46,846,154-46,846,156, AGG deleted on the plus strand (CCT on the coding strand, the reverse complement: AP2S1 is on the minus strand); deleting any 3 consecutive bases within chr19:46,846,154-46,846,161 gives the same sequence; the c. name uses the placement nearest the transcript's 3' end. VCF-style (leftmost placement, unchanged base first): chr19-46846153-CAGG-C. GRCh37 (hg19) VCF-style: chr19-47349410-CAGG-C.
Other names: c.4-14_4-12del (NM_021575.5, NM_001301078.3); c.10-14_10-12del (NM_001301081.3); c.52-14_52-12del (NM_001301076.3).
Identifiers: ClinVar variation 1600451 (VCV001600451.14), dbSNP rs373163721, ClinGen allele CA9533013.